The following is an entry in ClinVar:

ClinVar aggregate classification (germline): Uncertain significance (1 of 4 stars; one submission).

Allele frequency attached by ClinVar (database versions not stated): gnomAD exomes below 0.00001.

Submission:

Labcorp Genetics (formerly Invitae), Labcorp
Classification: Uncertain significance. Last evaluated: 2021-01-28. Review status: criteria provided, single submitter. Criteria: Invitae Variant Classification Sherloc (09022015). Collection method: clinical testing. Allele origin: germline.
Comment: In summary, the available evidence is currently insufficient to determine the role of this variant in disease. Therefore, it has been classified as a Variant of Uncertain Significance. Algorithms developed to predict the effect of missense changes on protein structure and function output the following: SIFT: "Deleterious"; PolyPhen-2: "Benign"; Align-GVGD: "Class C0". The lysine amino acid residue is found in multiple mammalian species, suggesting that this missense change does not adversely affect protein function. These predictions have not been confirmed by published functional studies and their clinical significance is uncertain. This variant has not been reported in the literature in individuals with RP1-related conditions. This variant is not present in population databases (ExAC no frequency). This sequence change replaces methionine with lysine at codon 1203 of the RP1 protein (p.Met1203Lys). The methionine residue is weakly conserved and there is a moderate physicochemical difference between methionine and lysine.

NM_006269.2(RP1):c.3608T>A (p.Met1203Lys)

Gene: RP1 (RP1 axonemal microtubule associated; plus strand). Cytogenetic location: 8q12.1.
Variant type: single nucleotide variant.
Coding change: c.3608T>A on transcript NM_006269.2 (MANE Select); coding-DNA position 3608, T replaced by A.
Protein change: p.Met1203Lys; replaces methionine 1203 with lysine.
Molecular consequence: missense variant. On other transcripts: intron variant (1).
Genome position (GRCh38, 1-based): chr8:54,627,490, T>A. VCF-style: chr8-54627490-T-A. GRCh37 (hg19) VCF-style: chr8-55540050-T-A.
Other names: c.787+5202T>A (NM_001375654.1); short protein forms M1203K.
Identifiers: ClinVar variation 1482926 (VCV001482926.8), dbSNP rs1171900860, ClinGen allele CA370996827.